The following is an entry in ClinVar:

NM_177550.5(SLC13A5):c.631T>C (p.Cys211Arg)

Gene: SLC13A5 (solute carrier family 13 member 5; minus strand). Cytogenetic location: 17p13.1.
Variant type: single nucleotide variant.
Coding change: c.631T>C on transcript NM_177550.5 (MANE Select); coding-DNA position 631, T replaced by C.
Protein change: p.Cys211Arg; replaces cysteine 211 with arginine.
Molecular consequence: missense variant.
Genome position (GRCh38, 1-based): chr17:6,703,055, A>G on the plus strand (T>C on the coding strand, the complement: SLC13A5 is on the minus strand). VCF-style: chr17-6703055-A-G. GRCh37 (hg19) VCF-style: chr17-6606374-A-G.
Other names: c.631T>C, p.Cys211Arg (NM_001143838.3); c.580T>C, p.Cys194Arg (NM_001284509.2); c.502T>C, p.Cys168Arg (NM_001284510.2); short protein forms C168R, C194R, C211R.
Identifiers: ClinVar variation 4071612 (VCV004071612.2).

ClinVar aggregate classification (germline): Uncertain significance. Review status: criteria provided, multiple submitters, no conflicts (2 of 4 stars). 2 submissions from 2 submitters: Uncertain significance (2). Last evaluated 2026-03-19.

Submissions (2):

GeneDx
Classification: Uncertain significance. Last evaluated: 2026-03-19. Review status: criteria provided, single submitter. Criteria: GeneDx Variant Classification Process June 2021. Collection method: clinical testing. Allele origin: germline.
Comment: Not observed at significant frequency in large population cohorts (gnomAD); In silico analysis supports that this missense variant has a deleterious effect on protein structure/function; Has not been previously published as pathogenic or benign to our knowledge

Blueprint Genetics
Classification: Uncertain significance. Last evaluated: 2023-01-17. Review status: criteria provided, single submitter. Criteria: ACMG Guidelines, 2015. Collection method: clinical testing. Allele origin: germline.